The following is an entry in ClinVar:

ClinVar aggregate classification (germline): Uncertain significance (1 of 4 stars; one submission).

Conditions:
CASR-related disorder. Also called: CASR-related condition.

Submission:

PreventionGenetics, part of Exact Sciences
Classification: Uncertain significance for CASR-related condition. Last evaluated: 2025-04-17. Review status: criteria provided, single submitter. Criteria: ACMG Guidelines, 2015. Collection method: clinical testing. Allele origin: germline.
Comment: The CASR c.304A>C variant is predicted to result in the amino acid substitution p.Asn102His. To our knowledge, this variant has not been reported in the literature or in a large population database (gnomAD), indicating this variant is rare. At this time, the clinical significance of this variant is uncertain due to the absence of conclusive functional and genetic evidence.

NM_000388.4(CASR):c.304A>C (p.Asn102His)

Gene: CASR (calcium sensing receptor; plus strand). Cytogenetic location: 3q21.1.
Variant type: single nucleotide variant.
Coding change: c.304A>C on transcript NM_000388.4 (MANE Select); coding-DNA position 304, A replaced by C.
Protein change: p.Asn102His; replaces asparagine 102 with histidine.
Molecular consequence: missense variant.
Genome position (GRCh38, 1-based): chr3:122,257,199, A>C. VCF-style: chr3-122257199-A-C. GRCh37 (hg19) VCF-style: chr3-121976046-A-C.
Other names: c.304A>C, p.Asn102His (NM_001178065.2); short protein forms N102H.
Identifiers: ClinVar variation 4997033 (VCV004997033.1).